The following is an entry in ClinVar:

NM_002382.5(MAX):c.172G>A (p.Ala58Thr)

Gene: MAX (MYC associated transcriptional regulator X; minus strand). Cytogenetic location: 14q23.3.
Variant type: single nucleotide variant.
Coding change: c.172G>A on transcript NM_002382.5 (MANE Select); coding-DNA position 172, G replaced by A.
Protein change: p.Ala58Thr; replaces alanine 58 with threonine.
Molecular consequence: missense variant. On other transcripts: 5 prime UTR variant (1), intron variant (2).
Genome position (GRCh38, 1-based): chr14:65,078,036, C>T on the plus strand (G>A on the coding strand, the complement: MAX is on the minus strand). VCF-style: chr14-65078036-C-T. GRCh37 (hg19) VCF-style: chr14-65544754-C-T.
Other names: c.-103G>A (NM_001320415.2, NM_001407105.1, NM_001407106.1 and 1 more transcripts); c.172G>A, p.Ala58Thr (NM_001407094.1, NM_001407096.1, NM_001407097.1 and 3 more transcripts); c.145G>A, p.Ala49Thr (NM_001407095.1, NM_001407099.1, NM_001407100.1 and 6 more transcripts); c.64G>A, p.Ala22Thr (NM_001407098.1); c.-196G>A (NM_001407111.1, NM_001407112.1); c.144+15672G>A (NM_001271069.2); c.171+15672G>A (NM_197957.4); short protein forms A49T, A58T, A22T.
Identifiers: ClinVar variation 837690 (VCV000837690.10), dbSNP rs2063106441, ClinGen allele CA390036017.

ClinVar aggregate classification (germline): Uncertain significance (1 of 4 stars; one submission).

Conditions:
Hereditary pheochromocytoma and paraganglioma. Also called: Hereditary pheochromocytoma-paraganglioma; Hereditary paragangliomas and pheochromocytomas; Hereditary Paraganglioma-Pheochromocytoma Syndromes. Identifiers: Orphanet 29072, MedGen C4274332, MONDO:0017366.

Allele frequency attached by ClinVar (database versions not stated): gnomAD exomes below 0.00001.
gnomAD v4.1: 1 of 1,614,086 alleles (0.000062%); highest among the groups gnomAD compares: East Asian, 0.0022%; no homozygotes.

Submission:

Labcorp Genetics (formerly Invitae), Labcorp
Classification: Uncertain significance for Hereditary pheochromocytoma and paraganglioma. Last evaluated: 2019-02-09. Review status: criteria provided, single submitter. Criteria: Invitae Variant Classification Sherloc (09022015). Collection method: clinical testing. Allele origin: germline.
Comment: In summary, the available evidence is currently insufficient to determine the role of this variant in disease. Therefore, it has been classified as a Variant of Uncertain Significance. Algorithms developed to predict the effect of missense changes on protein structure and function are either unavailable or do not agree on the potential impact of this missense change (SIFT: "Deleterious"; PolyPhen-2: "Possibly Damaging"; Align-GVGD: "Class C0"). This variant has not been reported in the literature in individuals with MAX-related conditions. This variant is not present in population databases (ExAC no frequency). This sequence change replaces alanine with threonine at codon 58 of the MAX protein (p.Ala58Thr). The alanine residue is highly conserved and there is a small physicochemical difference between alanine and threonine.